The following is an entry in ClinVar:

NM_145728.3(SYNM):c.408G>A (p.Arg136=)

Genes: SYNM (synemin; plus strand), SYNM-AS1 (SYNM antisense RNA 1; minus strand), LOC130058014 (ATAC-STARR-seq lymphoblastoid silent region 6864; plus strand). Cytogenetic location: 15q26.3.
Variant type: single nucleotide variant.
Coding change: c.408G>A on transcript NM_145728.3 (MANE Select); coding-DNA position 408, G replaced by A.
Protein change: p.Arg136=; no amino-acid change (arginine 136 retained).
Molecular consequence: synonymous variant.
Genome position (GRCh38, 1-based): chr15:99,105,607, G>A. VCF-style: chr15-99105607-G-A. GRCh37 (hg19) VCF-style: chr15-99645813-G-A.
Other names: c.408G>A, p.Arg136= (NM_015286.6).
Identifiers: ClinVar variation 3034822 (VCV003034822.2), dbSNP rs1044356, ClinGen allele CA7753278.

ClinVar aggregate classification (germline): Benign (0 of 4 stars; one submission).

Conditions:
SYNM-related disorder. Also called: SYNM-related condition.

Allele frequency attached by ClinVar (database versions not stated): gnomAD 0.41160; TOPMed 0.41954; 1000 Genomes Project 0.43251; 1000 Genomes Project 30x 0.44379; ExAC 0.45431.
gnomAD v4.1: 431,055 of 1,262,182 alleles (34%); highest among the groups gnomAD compares: African/African-American, 61%; 77,031 homozygotes.

Submission:

PreventionGenetics, part of Exact Sciences
Classification: Benign for SYNM-related condition. Last evaluated: 2019-10-28. Review status: no assertion criteria provided. Collection method: clinical testing. Allele origin: germline.
Comment: This variant is classified as benign based on ACMG/AMP sequence variant interpretation guidelines (Richards et al. 2015 PMID: 25741868, with internal and published modifications).